The following is an entry in ClinVar:

NM_002230.4(JUP):c.1688G>A (p.Cys563Tyr)

Gene: JUP (junction plakoglobin; minus strand). Cytogenetic location: 17q21.2.
Variant type: single nucleotide variant.
Coding change: c.1688G>A on transcript NM_002230.4 (MANE Select); coding-DNA position 1688, G replaced by A.
Protein change: p.Cys563Tyr; replaces cysteine 563 with tyrosine.
Molecular consequence: missense variant.
Genome position (GRCh38, 1-based): chr17:41,758,484, C>T on the plus strand (G>A on the coding strand, the complement: JUP is on the minus strand). VCF-style: chr17-41758484-C-T. GRCh37 (hg19) VCF-style: chr17-39914736-C-T.
Other names: c.1688G>A, p.Cys563Tyr (NM_001352773.2, NM_001352774.2, NM_001352775.2 and 3 more transcripts); short protein forms C563Y.
Identifiers: ClinVar variation 1401540 (VCV001401540.8), dbSNP rs142006878, ClinGen allele CA8565151.

ClinVar aggregate classification (germline): Uncertain significance (1 of 4 stars; one submission).

Conditions:
Naxos disease (NXD). Also called: CARDIOMYOPATHY, ARRHYTHMOGENIC RIGHT VENTRICULAR, WITH SKIN, HAIR, AND NAIL ABNORMALITIES; KERATOSIS PALMOPLANTARIS WITH ARRHYTHMOGENIC CARDIOMYOPATHY; MAL DE NAXOS; PALMOPLANTAR KERATODERMA WITH ARRHYTHMOGENIC RIGHT VENTRICULAR CARDIOMYOPATHY AND WOOLLY HAIR; WOOLLY HAIR, PALMOPLANTAR KERATODERMA, AND CARDIAC ABNORMALITIES. Identifiers: Orphanet 34217, MedGen C1832600, MONDO:0011017, OMIM 601214.
Arrhythmogenic right ventricular dysplasia 12. Also called: ARRHYTHMOGENIC RIGHT VENTRICULAR DYSPLASIA, FAMILIAL, 12. Identifiers: MedGen C1969081, MONDO:0012684, OMIM 611528.

Allele frequency attached by ClinVar (database versions not stated): gnomAD exomes below 0.00001; ExAC 0.00001; ESP Exome Variant Server 0.00008.

Submission:

Labcorp Genetics (formerly Invitae), Labcorp
Classification: Uncertain significance for Arrhythmogenic right ventricular dysplasia 12; Naxos disease. Last evaluated: 2025-09-03. Review status: criteria provided, single submitter. Criteria: Invitae Variant Classification Sherloc (09022015). Collection method: clinical testing. Allele origin: germline.
Comment: This sequence change replaces cysteine, which is neutral and slightly polar, with tyrosine, which is neutral and polar, at codon 563 of the JUP protein (p.Cys563Tyr). This variant is present in population databases (rs142006878, gnomAD 0.007%). This variant has not been reported in the literature in individuals affected with JUP-related conditions. ClinVar contains an entry for this variant (Variation ID: 1401540). An algorithm developed to predict the effect of missense changes on protein structure and function (PolyPhen-2) suggests that this variant is likely to be tolerated. In summary, the available evidence is currently insufficient to determine the role of this variant in disease. Therefore, it has been classified as a Variant of Uncertain Significance.